The following is an entry in ClinVar:

NM_000085.5(CLCNKB):c.892G>A (p.Ala298Thr)

Genes: CLCNKB (chloride voltage-gated channel Kb; plus strand), LOC106501713 (CLCNKB recombination region; plus strand). Cytogenetic location: 1p36.13.
Variant type: single nucleotide variant.
Coding change: c.892G>A on transcript NM_000085.5 (MANE Select); coding-DNA position 892, G replaced by A.
Protein change: p.Ala298Thr; replaces alanine 298 with threonine.
Molecular consequence: missense variant.
Genome position (GRCh38, 1-based): chr1:16,049,840, G>A. VCF-style: chr1-16049840-G-A. GRCh37 (hg19) VCF-style: chr1-16376335-G-A.
Other names: c.385G>A, p.Ala129Thr (NM_001165945.2); short protein forms A298T, A129T.
Identifiers: ClinVar variation 1943956 (VCV001943956.6), dbSNP rs1426052600, ClinGen allele CA338638223.
Genomic context (GRCh38, chr1:16,049,840, plus strand): 5'-GTCGGGCTCTGGGCTCATGTCTCCATGCTCCCCAGGGGTCTCTGTGGCATCCTGGGCAGC[G>A]CTTACCTCTTCTGTCAGCGAATCTTCTTTGGCTTCATCAGGAACAATAGGTTCAGCTCCA-3'
Protein context (NP_000076.2, residues 288-308): LGGLCGILGS[Ala298Thr]YLFCQRIFFG

ClinVar aggregate classification (germline): Uncertain significance. Review status: criteria provided, multiple submitters, no conflicts (2 of 4 stars). 2 submissions from 2 submitters: Uncertain significance (2). Last evaluated 2024-05-23.

Conditions:
Bartter disease type 3. Also called: Bartter syndrome type 3. Identifiers: Orphanet 112, Orphanet 93605, MedGen C1846343, MONDO:0011822, OMIM 607364.
Bartter disease type 4B. Also called: Bartter syndrome, type 4b, digenic; BARTTER SYNDROME, TYPE 4B; BARTTER SYNDROME, TYPE 4B, NEONATAL, WITH SENSORINEURAL DEAFNESS. Identifiers: Orphanet 112, MedGen C4310805, MONDO:0000909, OMIM 613090.

Allele frequency attached by ClinVar (database versions not stated): gnomAD exomes 0.00002; TOPMed 0.00002.
gnomAD v4.1: 36 of 1,613,802 alleles (0.0022%); highest among the groups gnomAD compares: East Asian, 0.0067%; no homozygotes.

Submissions (2):

Fulgent Genetics
Classification: Uncertain significance for Bartter disease type 3; Bartter disease type 4B. Last evaluated: 2024-05-23. Review status: criteria provided, single submitter. Criteria: ACMG Guidelines, 2015. Collection method: clinical testing. Allele origin: germline.

Labcorp Genetics (formerly Invitae), Labcorp
Classification: Uncertain significance. Last evaluated: 2022-03-19. Review status: criteria provided, single submitter. Criteria: Invitae Variant Classification Sherloc (09022015). Collection method: clinical testing. Allele origin: germline.
Comment: Advanced modeling of protein sequence and biophysical properties (such as structural, functional, and spatial information, amino acid conservation, physicochemical variation, residue mobility, and thermodynamic stability) performed at Invitae indicates that this missense variant is not expected to disrupt CLCNKB protein function. This variant has not been reported in the literature in individuals affected with CLCNKB-related conditions. This variant is present in population databases (no rsID available, gnomAD 0.01%). This sequence change replaces alanine, which is neutral and non-polar, with threonine, which is neutral and polar, at codon 298 of the CLCNKB protein (p.Ala298Thr). In summary, the available evidence is currently insufficient to determine the role of this variant in disease. Therefore, it has been classified as a Variant of Uncertain Significance.